The following is an entry in ClinVar:

ClinVar aggregate classification (germline): Likely benign (1 of 4 stars; one submission).

Submission:

CeGaT Center for Human Genetics Tuebingen
Classification: Likely benign. Last evaluated: 2024-07-01. Review status: criteria provided, single submitter. Criteria: CeGaT Center For Human Genetics Tuebingen Variant Classification Criteria Version 2. Collection method: clinical testing. Allele origin: germline. Affected: yes. Observed: 1 variant allele.
Comment: KRTAP4-3: BS2

NM_033187.2(KRTAP4-3):c.285_286insCAGACCACCTGCTGC (p.Cys95_Arg96insGlnThrThrCysCys)

Gene: KRTAP4-3 (keratin associated protein 4-3; minus strand). Cytogenetic location: 17q21.2.
Variant type: Microsatellite.
Coding change: c.285_286insCAGACCACCTGCTGC on transcript NM_033187.2 (MANE Select); coding-DNA positions 285 to 286, CAGACCACCTGCTGC inserted.
Protein change: p.Cys95_Arg96insGlnThrThrCysCys.
Molecular consequence: inframe insertion.
Genome position: GRCh38 VCF-style: chr17-41167887-T-TGCAGCAGGTGGTCTG. GRCh37 (hg19) VCF-style: chr17-39324139-T-TGCAGCAGGTGGTCTG.
Identifiers: ClinVar variation 3257581 (VCV003257581.17).